The following is an entry in ClinVar:

ClinVar aggregate classification (germline): Uncertain significance. Review status: criteria provided, multiple submitters, no conflicts (2 of 4 stars). 2 submissions from 2 submitters: Uncertain significance (2). Last evaluated 2024-04-22.

Conditions:
Glomerulopathy with fibronectin deposits 2 (GFND2). Identifiers: Orphanet 84090, MedGen C1866075, MONDO:0011165, OMIM 601894.
Spondylometaphyseal dysplasia - Sutcliffe type. Also called: Spondylometaphyseal Dysplasia, Corner Fracture Type; Sutcliffe type of spondylometaphyseal dysplasia; Sutcliffe SMD; Spondylometaphyseal dysplasia, 'corner fracture' type. Identifiers: Orphanet 93315, MedGen C0432221, MONDO:0008479, OMIM 184255.

Submissions (2):

Fulgent Genetics
Classification: Uncertain significance for Spondylometaphyseal dysplasia - Sutcliffe type; Glomerulopathy with fibronectin deposits 2. Last evaluated: 2024-04-22. Review status: criteria provided, single submitter. Criteria: ACMG Guidelines, 2015. Collection method: clinical testing. Allele origin: germline.

Labcorp Genetics (formerly Invitae), Labcorp
Classification: Uncertain significance. Last evaluated: 2024-01-04. Review status: criteria provided, single submitter. Criteria: Invitae Variant Classification Sherloc (09022015). Collection method: clinical testing. Allele origin: germline.
Comment: This sequence change replaces glutamic acid, which is acidic and polar, with glycine, which is neutral and non-polar, at codon 1074 of the FN1 protein (p.Glu1074Gly). This variant is not present in population databases (gnomAD no frequency). This variant has not been reported in the literature in individuals affected with FN1-related conditions. Advanced modeling of protein sequence and biophysical properties (such as structural, functional, and spatial information, amino acid conservation, physicochemical variation, residue mobility, and thermodynamic stability) performed at Invitae indicates that this missense variant is not expected to disrupt FN1 protein function with a negative predictive value of 80%. In summary, the available evidence is currently insufficient to determine the role of this variant in disease. Therefore, it has been classified as a Variant of Uncertain Significance.

NM_212482.4(FN1):c.3221A>G (p.Glu1074Gly)

Gene: FN1 (fibronectin 1; minus strand). Cytogenetic location: 2q35.
Variant type: single nucleotide variant.
Coding change: c.3221A>G on transcript NM_212482.4 (MANE Select); coding-DNA position 3221, A replaced by G.
Protein change: p.Glu1074Gly; replaces glutamic acid 1074 with glycine.
Molecular consequence: missense variant.
Genome position (GRCh38, 1-based): chr2:215,404,421, T>C on the plus strand (A>G on the coding strand, the complement: FN1 is on the minus strand). VCF-style: chr2-215404421-T-C. GRCh37 (hg19) VCF-style: chr2-216269144-T-C.
Other names: c.3221A>G, p.Glu1074Gly (NM_001365523.2, NM_212476.3, NM_212478.3 and 13 more transcripts); short protein forms E1074G.
Identifiers: ClinVar variation 2961093 (VCV002961093.4), dbSNP rs2470004189, ClinGen allele CA350489059.